The following is an entry in ClinVar:

NM_000126.4(ETFA):c.625C>T (p.Arg209Ter)

Gene: ETFA (electron transfer flavoprotein subunit alpha; minus strand). Cytogenetic location: 15q24.2.
Variant type: single nucleotide variant.
Coding change: c.625C>T on transcript NM_000126.4 (MANE Select); coding-DNA position 625, C replaced by T.
Protein change: p.Arg209Ter; replaces arginine 209 with a stop codon.
Molecular consequence: nonsense.
Genome position (GRCh38, 1-based): chr15:76,285,676, G>A on the plus strand (C>T on the coding strand, the complement: ETFA is on the minus strand). VCF-style: chr15-76285676-G-A. GRCh37 (hg19) VCF-style: chr15-76578017-G-A.
Other names: c.478C>T, p.Arg160Ter (NM_001127716.2); short protein forms R209*, R160*.
Identifiers: ClinVar variation 265123 (VCV000265123.14), dbSNP rs199763682, ClinGen allele CA7673697.

ClinVar aggregate classification (germline): Pathogenic/Likely pathogenic. Review status: criteria provided, multiple submitters, no conflicts (2 of 4 stars). 5 submissions from 5 submitters: Pathogenic (2); Likely pathogenic (3). Last evaluated 2025-10-06.

Conditions:
Glutaric acidemia type 2A.
Multiple acyl-CoA dehydrogenase deficiency (MADD). Also called: Glutaric aciduria, type 2; Glutaric Acidemia type 2; Glutaric acidemia type II; GA 2; ETHYLMALONIC-ADIPICACIDURIA; GA II. Identifiers: Orphanet 26791, MedGen C0268596, MONDO:0009282, OMIM 231680.

Allele frequency attached by ClinVar (database versions not stated): gnomAD exomes 0.00002; TOPMed 0.00002; ExAC 0.00003.

Submissions (5):

Labcorp Genetics (formerly Invitae), Labcorp
Classification: Pathogenic for Multiple acyl-CoA dehydrogenase deficiency. Last evaluated: 2025-10-06. Review status: criteria provided, single submitter. Criteria: Invitae Variant Classification Sherloc (09022015). Collection method: clinical testing. Allele origin: germline.
Comment: This sequence change creates a premature translational stop signal (p.Arg209*) in the ETFA gene. It is expected to result in an absent or disrupted protein product. Loss-of-function variants in ETFA are known to be pathogenic (PMID: 16510302, 23785301). This variant is present in population databases (rs199763682, gnomAD 0.004%). This variant has not been reported in the literature in individuals affected with ETFA-related conditions. ClinVar contains an entry for this variant (Variation ID: 265123). Algorithms developed to predict the effect of sequence changes on RNA splicing suggest that this variant may disrupt the consensus splice site. For these reasons, this variant has been classified as Pathogenic.

Natera, Inc.
Classification: Likely pathogenic for Glutaric acidemia type 2A. Last evaluated: 2025-07-05. Review status: criteria provided, single submitter. Criteria: Natera Variant Classification Schema (03/2026). Collection method: clinical testing. Allele origin: germline.
Comment: The c.625C>T variant in ETFA is a nonsense variant predicted to introduce a stop codon at amino acid 209. This variant is expected to result in nonsense mediated decay, truncation, or a dysfunctional protein product. This variant is rare in the general population with a frequency below the threshold expected for the associated phenotype(s). Given the available evidence, this variant is classified as Likely Pathogenic.

Fulgent Genetics
Classification: Likely pathogenic for Multiple acyl-CoA dehydrogenase deficiency. Last evaluated: 2024-06-12. Review status: criteria provided, single submitter. Criteria: ACMG Guidelines, 2015. Collection method: clinical testing. Allele origin: germline.

Baylor Genetics
Classification: Likely pathogenic for Multiple acyl-CoA dehydrogenase deficiency. Last evaluated: 2024-02-24. Review status: criteria provided, single submitter. Criteria: ACMG Guidelines, 2015. Collection method: clinical testing. Allele origin: unknown.

GeneDx
Classification: Pathogenic. Last evaluated: 2018-03-01. Review status: criteria provided, single submitter. Criteria: GeneDx Variant Classification (06012015). Collection method: clinical testing. Allele origin: germline. Affected: yes.
Comment: The R209X nonsense variant in the ETFA gene is predicted to cause loss of normal protein function either through protein truncation or nonsense-mediated mRNA decay. Although this pathogenic variant has not been reported previously to our knowledge, it is predicted to be a pathogenic variant.

Literature cited by the submitters: PubMed 16510302 (cited by Labcorp Genetics (formerly Invitae), Labcorp); PubMed 23785301 (cited by Labcorp Genetics (formerly Invitae), Labcorp).